The following is an entry in ClinVar:

ClinVar aggregate classification (germline): Uncertain significance (1 of 4 stars; one submission).

Submission:

Ambry Genetics
Classification: Uncertain significance. Last evaluated: 2025-02-02. Review status: criteria provided, single submitter. Criteria: Ambry Variant Classification Scheme 2023. Collection method: clinical testing. Allele origin: germline.
Comment: The p.M199T variant (also known as c.596T>C), located in coding exon 4 of the ATRIP gene, results from a T to C substitution at nucleotide position 596. The methionine at codon 199 is replaced by threonine, an amino acid with similar properties. This amino acid position is conserved. In addition, this alteration is predicted to be deleterious by in silico analysis. Based on the available evidence, the clinical significance of this variant remains unclear.

NM_130384.3(ATRIP):c.596T>C (p.Met199Thr)

Genes: ATRIP (ATR interacting protein; plus strand), ATRIP-TREX1 (ATRIP-TREX1 readthrough; plus strand). Cytogenetic location: 3p21.31.
Variant type: single nucleotide variant.
Coding change: c.596T>C on transcript NM_130384.3 (MANE Select); coding-DNA position 596, T replaced by C.
Protein change: p.Met199Thr; replaces methionine 199 with threonine.
Molecular consequence: missense variant. On other transcripts: non-coding transcript variant (1).
Genome position (GRCh38, 1-based): chr3:48,454,343, T>C. VCF-style: chr3-48454343-T-C. GRCh37 (hg19) VCF-style: chr3-48495743-T-C.
Other names: c.215T>C, p.Met72Thr (NM_001271022.2); c.317T>C, p.Met106Thr (NM_001271023.2); c.596T>C, p.Met199Thr (NM_032166.4); short protein forms M106T, M199T, M72T.
Identifiers: ClinVar variation 3810332 (VCV003810332.1).